The following is an entry in ClinVar:

ClinVar aggregate classification (germline): Uncertain significance (1 of 4 stars; one submission).

Conditions:
Bardet-Biedl syndrome (BBS). Identifiers: Orphanet 110, MedGen C0752166, MONDO:0015229.
McKusick-Kaufman syndrome (MKKS). Also called: HYDROMETROCOLPOS SYNDROME; HYDROMETROCOLPOS, POSTAXIAL POLYDACTYLY, AND CONGENITAL HEART MALFORMATION. Identifiers: Orphanet 2473, MedGen C0948368, MONDO:0009367, OMIM 236700.

Allele frequency attached by ClinVar (database versions not stated): gnomAD exomes below 0.00001; ExAC 0.00001.

Submission:

Labcorp Genetics (formerly Invitae), Labcorp
Classification: Uncertain significance for McKusick-Kaufman syndrome; Bardet-Biedl syndrome. Last evaluated: 2020-12-12. Review status: criteria provided, single submitter. Criteria: Invitae Variant Classification Sherloc (09022015). Collection method: clinical testing. Allele origin: germline.
Comment: This sequence change replaces valine with leucine at codon 531 of the MKKS protein (p.Val531Leu). The valine residue is weakly conserved and there is a small physicochemical difference between valine and leucine. The frequency data for this variant in the population databases is considered unreliable, as metrics indicate poor data quality at this position in the ExAC database. This variant has not been reported in the literature in individuals with MKKS-related conditions. Algorithms developed to predict the effect of missense changes on protein structure and function output the following: SIFT: "Tolerated"; PolyPhen-2: "Benign"; Align-GVGD: "Class C0". The leucine amino acid residue is found in multiple mammalian species, suggesting that this missense change does not adversely affect protein function. These predictions have not been confirmed by published functional studies and their clinical significance is uncertain. In summary, the available evidence is currently insufficient to determine the role of this variant in disease. Therefore, it has been classified as a Variant of Uncertain Significance.

NM_170784.3(MKKS):c.1591G>C (p.Val531Leu)

Gene: MKKS (MKKS centrosomal shuttling protein; minus strand). Cytogenetic location: 20p12.2.
Variant type: single nucleotide variant.
Coding change: c.1591G>C on transcript NM_170784.3 (MANE Select); coding-DNA position 1591, G replaced by C.
Protein change: p.Val531Leu; replaces valine 531 with leucine.
Molecular consequence: missense variant. On other transcripts: non-coding transcript variant (1).
Genome position (GRCh38, 1-based): chr20:10,405,369, C>G on the plus strand (G>C on the coding strand, the complement: MKKS is on the minus strand). VCF-style: chr20-10405369-C-G. GRCh37 (hg19) VCF-style: chr20-10386017-C-G.
Other names: c.1591G>C, p.Val531Leu (NM_018848.3); short protein forms V531L.
Identifiers: ClinVar variation 1355857 (VCV001355857.8), dbSNP rs750705949, ClinGen allele CA9763455.